The following is an entry in ClinVar:

NM_030632.3(ASXL3):c.137+9017_137+9018del

Gene: ASXL3 (ASXL transcriptional regulator 3; plus strand). Cytogenetic location: 18q12.1.
Variant type: Deletion.
Coding change: c.137+9017_137+9018del on transcript NM_030632.3 (MANE Select); bases 9017 to 9018 of the intron after coding-DNA position 137, 2 bases deleted (AA; older notation c.137+9017_137+9018delAA).
Molecular consequence: intron variant.
Genome position (GRCh38, 1-based): chr18:33,616,693-33,616,694, AA deleted; deleting any 2 consecutive bases within chr18:33,616,692-33,616,694 gives the same sequence; the c. name uses the placement nearest the transcript's 3' end. VCF-style (leftmost placement, unchanged base first): chr18-33616691-GAA-G. GRCh37 (hg19) VCF-style: chr18-31196655-GAA-G.
Identifiers: ClinVar variation 2630606 (VCV002630606.6), dbSNP rs555071852, ClinGen allele CA8933466.
Genomic context (GRCh38, chr18:33,616,691, plus strand): 5'-AATACCATAGAGTGGGTGGCTTAAATAACAGAAATTTTTTTCTCACAGTTCTGGAAGACA[GAA>G]AGCCCAGATTAAGGTTGGCAGTGTCCGTTTCTGGTAAGGGCTTTCTTCCTGGCTTGTAGC-3'

ClinVar aggregate classification (germline): Likely benign. Review status: criteria provided, multiple submitters, no conflicts (2 of 4 stars). 2 submissions from 2 submitters: Likely benign (2). Last evaluated 2026-02-01.

Conditions:
ASXL3-related disorder. Also called: ASXL3-related condition. Identifiers: MedGen CN381524.

Submissions (2):

CeGaT Center for Human Genetics Tuebingen
Classification: Likely benign. Last evaluated: 2026-02-01. Review status: criteria provided, single submitter. Criteria: CeGaT Center For Human Genetics Tuebingen Variant Classification Criteria Version 2. Collection method: clinical testing. Allele origin: germline. Affected: yes. Observed: 1 variant allele.
Comment: ASXL3: BS2

PreventionGenetics, part of Exact Sciences
Classification: Likely benign for ASXL3-related condition. Last evaluated: 2024-12-14. Review status: criteria provided, single submitter. Criteria: ACMG Guidelines, 2015. Collection method: clinical testing. Allele origin: germline.
Comment: This variant is classified as likely benign based on ACMG/AMP sequence variant interpretation guidelines (Richards et al. 2015 PMID: 25741868, with internal and published modifications).